The following is an entry in ClinVar:

NM_004369.4(COL6A3):c.1143C>T (p.Ala381=)

Gene: COL6A3 (collagen type VI alpha 3 chain; minus strand). Cytogenetic location: 2q37.3.
Variant type: single nucleotide variant.
Coding change: c.1143C>T on transcript NM_004369.4 (MANE Select); coding-DNA position 1143, C replaced by T.
Protein change: p.Ala381=; no amino-acid change (alanine 381 retained).
Molecular consequence: synonymous variant. On other transcripts: intron variant (2).
Genome position (GRCh38, 1-based): chr2:237,387,751, G>A on the plus strand (C>T on the coding strand, the complement: COL6A3 is on the minus strand). VCF-style: chr2-237387751-G-A. GRCh37 (hg19) VCF-style: chr2-238296394-G-A.
Other names: c.525C>T, p.Ala175= (NM_057165.5, NM_057167.4); c.92-6252C>T (NM_057166.5, NM_057164.5).
Identifiers: ClinVar variation 3032129 (VCV003032129.4), dbSNP rs752227034, ClinGen allele CA2189696.

ClinVar aggregate classification (germline): Likely benign. Review status: criteria provided, single submitter (1 of 4 stars). 2 submissions from 2 submitters: Likely benign (1). 1 of the submissions does not count toward it. Last evaluated 2024-03-12.

Conditions:
Bethlem myopathy 1A. Also called: MYOPATHY, BENIGN CONGENITAL, WITH CONTRACTURES; Bethlem myopathy 1; Bethlem Muscular Dystrophy. Identifiers: Orphanet 610, MedGen CN029274, MONDO:0024530, OMIM 158810.
COL6A3-related disorder. Also called: COL6A3-related disorders; COL6A3-related condition.

Allele frequency attached by ClinVar (database versions not stated): ExAC 0.00001; gnomAD 0.00001; gnomAD exomes 0.00001; TOPMed 0.00001.
gnomAD v4.1: 11 of 1,613,862 alleles (0.00068%); highest among the groups gnomAD compares: African/African-American, 0.0013%; no homozygotes.

Submissions (2):

Labcorp Genetics (formerly Invitae), Labcorp
Classification: Likely benign for Bethlem myopathy 1A. Last evaluated: 2024-03-12. Review status: criteria provided, single submitter. Criteria: Invitae Variant Classification Sherloc (09022015). Collection method: clinical testing. Allele origin: germline.

PreventionGenetics, part of Exact Sciences
Classification: Likely benign for COL6A3-related condition. Last evaluated: 2020-10-12. Review status: no assertion criteria provided. Collection method: clinical testing. Allele origin: germline. Not counted in ClinVar's aggregate classification.
Comment: This variant is classified as likely benign based on ACMG/AMP sequence variant interpretation guidelines (Richards et al. 2015 PMID: 25741868, with internal and published modifications).